The following is an entry in ClinVar:

ClinVar aggregate classification (germline): Uncertain significance (1 of 4 stars; one submission).

Conditions:
Distal hereditary motor neuropathy type 2. Identifiers: Orphanet 139525, MedGen C3711384, MeSH C580044, MONDO:0015352.

Allele frequency attached by ClinVar (database versions not stated): TOPMed below 0.00001.

Submission:

Labcorp Genetics (formerly Invitae), Labcorp
Classification: Uncertain significance for Distal hereditary motor neuropathy type 2. Last evaluated: 2024-04-15. Review status: criteria provided, single submitter. Criteria: Invitae Variant Classification Sherloc (09022015). Collection method: clinical testing. Allele origin: germline.
Comment: This sequence change replaces arginine, which is basic and polar, with serine, which is neutral and polar, at codon 211 of the FBXO38 protein (p.Arg211Ser). This variant is not present in population databases (gnomAD no frequency). This variant has not been reported in the literature in individuals affected with FBXO38-related conditions. ClinVar contains an entry for this variant (Variation ID: 661131). Advanced modeling of protein sequence and biophysical properties (such as structural, functional, and spatial information, amino acid conservation, physicochemical variation, residue mobility, and thermodynamic stability) performed at Invitae indicates that this missense variant is not expected to disrupt FBXO38 protein function with a negative predictive value of 80%. In summary, the available evidence is currently insufficient to determine the role of this variant in disease. Therefore, it has been classified as a Variant of Uncertain Significance.

NM_205836.3(FBXO38):c.633G>C (p.Arg211Ser)

Gene: FBXO38 (F-box protein 38; plus strand). Cytogenetic location: 5q32.
Variant type: single nucleotide variant.
Coding change: c.633G>C on transcript NM_205836.3 (MANE Select); coding-DNA position 633, G replaced by C.
Protein change: p.Arg211Ser; replaces arginine 211 with serine.
Molecular consequence: missense variant.
Genome position (GRCh38, 1-based): chr5:148,404,725, G>C. VCF-style: chr5-148404725-G-C. GRCh37 (hg19) VCF-style: chr5-147784288-G-C.
Other names: c.633G>C, p.Arg211Ser (NM_001271723.2, NM_030793.5); short protein forms R211S.
Identifiers: ClinVar variation 661131 (VCV000661131.10), dbSNP rs779718633, ClinGen allele CA361655823.